The following is an entry in ClinVar:

ClinVar aggregate classification (germline): Uncertain significance (1 of 4 stars; one submission).

Conditions:
Symmetrical dyschromatosis of extremities (DSH). Also called: RETICULATE ACROPIGMENTATION OF DOHI; SYMMETRIC DYSCHROMATOSIS OF THE EXTREMITIES; Dyschromatosis symmetrica hereditaria; DYSCHROMATOSIS SYMMETRICA HEREDITARIA 1. Identifiers: Orphanet 41, MedGen C0406775, MONDO:0007483, OMIM 127400.
Aicardi-Goutieres syndrome 6 (AGS6). Identifiers: Orphanet 51, MedGen C3539013, MONDO:0014007, OMIM 615010.

Submission:

Labcorp Genetics (formerly Invitae), Labcorp
Classification: Uncertain significance for Aicardi-Goutieres syndrome 6; Symmetrical dyschromatosis of extremities. Last evaluated: 2024-02-17. Review status: criteria provided, single submitter. Criteria: Invitae Variant Classification Sherloc (09022015). Collection method: clinical testing. Allele origin: germline.
Comment: This sequence change replaces histidine, which is basic and polar, with glutamine, which is neutral and polar, at codon 22 of the ADAR protein (p.His22Gln). This variant is not present in population databases (gnomAD no frequency). This variant has not been reported in the literature in individuals affected with ADAR-related conditions. Algorithms developed to predict the effect of missense changes on protein structure and function output the following: SIFT: "Not Available"; PolyPhen-2: "Benign"; Align-GVGD: "Not Available". The glutamine amino acid residue is found in multiple mammalian species, which suggests that this missense change does not adversely affect protein function. In summary, the available evidence is currently insufficient to determine the role of this variant in disease. Therefore, it has been classified as a Variant of Uncertain Significance.

NM_001111.5(ADAR):c.66C>G (p.His22Gln)

Gene: ADAR (adenosine deaminase RNA specific; minus strand). Cytogenetic location: 1q21.3.
Variant type: single nucleotide variant.
Coding change: c.66C>G on transcript NM_001111.5 (MANE Select); coding-DNA position 66, C replaced by G.
Protein change: p.His22Gln; replaces histidine 22 with glutamine.
Molecular consequence: missense variant. On other transcripts: 5 prime UTR variant (6).
Genome position (GRCh38, 1-based): chr1:154,602,576, G>C on the plus strand (C>G on the coding strand, the complement: ADAR is on the minus strand). VCF-style: chr1-154602576-G-C. GRCh37 (hg19) VCF-style: chr1-154575052-G-C.
Other names: c.-820C>G (NM_001025107.3, NM_001193495.2, NM_001365048.1); c.93C>G, p.His31Gln (NM_001365045.1); c.-684C>G (NM_001365046.1, NM_001365047.1, NM_001365049.1); c.66C>G, p.His22Gln (NM_015840.4, NM_015841.4); short protein forms H22Q, H31Q.
Identifiers: ClinVar variation 3754772 (VCV003754772.2).
Genomic context (GRCh38, chr1:154,602,576, plus strand): 5'-CTTAAGCAGGAAACTACTGGGGGAAGATCCTGGCCCAGGCTGCTGGTACCTGAGCTGTCT[G>C]TGCTCATAGCCTTGAAATGGATGGGTGTAGTATCCGCTGAGGGAATACCCCTGCAGAATA-3'
Protein context (NP_001102.3, residues 12-32): YYTHPFQGYE[His22Gln]RQLRYQQPGP